The following is an entry in ClinVar:

ClinVar aggregate classification (germline): Uncertain significance. Review status: criteria provided, multiple submitters, no conflicts (2 of 4 stars). 6 submissions from 6 submitters: Uncertain significance (5). 1 of the submissions does not count toward it. Last evaluated 2025-12-05.

Conditions:
PCDH15-related disorder. Also called: PCDH15-related condition; PCDH15-related disorders.
Usher syndrome type 1F (USH1F). Also called: USHER SYNDROME, TYPE IF. Identifiers: Orphanet 231169, Orphanet 886, MedGen C1865885, MONDO:0011186, OMIM 602083.
Usher syndrome type 1 (USH1). Also called: RETINITIS PIGMENTOSA AND CONGENITAL DEAFNESS. Identifiers: Orphanet 231169, Orphanet 886, MedGen C1568247, MONDO:0010168, OMIM 276900.

Allele frequency attached by ClinVar (database versions not stated): gnomAD exomes 0.00004 and 0.00009; TOPMed 0.00006; ExAC 0.00007; ESP Exome Variant Server 0.00008; 1000 Genomes Project 30x 0.00031; 1000 Genomes Project 0.00040.
gnomAD v4.1: 133 of 1,613,588 alleles (0.0082%); highest among the groups gnomAD compares: East Asian, 0.24%; 2 homozygotes.

Submissions (6):

GeneDx
Classification: Uncertain significance. Last evaluated: 2025-12-05. Review status: criteria provided, single submitter. Criteria: GeneDx Variant Classification Process June 2021. Collection method: clinical testing. Allele origin: germline. Affected: yes.
Comment: Observed in one patient with early onset hearing loss in published literature, however, additional information was not available (PMID: 23967202); In silico analysis supports that this missense variant has a deleterious effect on protein structure/function; This variant is associated with the following publications: (PMID: 30245029, 23967202)

Labcorp Genetics (formerly Invitae), Labcorp
Classification: Uncertain significance. Last evaluated: 2025-09-02. Review status: criteria provided, single submitter. Criteria: Invitae Variant Classification Sherloc (09022015). Collection method: clinical testing. Allele origin: germline.
Comment: This sequence change replaces proline, which is neutral and non-polar, with leucine, which is neutral and non-polar, at codon 315 of the PCDH15 protein (p.Pro315Leu). This variant is present in population databases (rs138299477, gnomAD 0.02%). This missense change has been observed in individual(s) with hearing loss (PMID: 23967202). ClinVar contains an entry for this variant (Variation ID: 842988). Invitae Evidence Modeling of protein sequence and biophysical properties (such as structural, functional, and spatial information, amino acid conservation, physicochemical variation, residue mobility, and thermodynamic stability) indicates that this missense variant is not expected to disrupt PCDH15 protein function with a negative predictive value of 95%. In summary, the available evidence is currently insufficient to determine the role of this variant in disease. Therefore, it has been classified as a Variant of Uncertain Significance.

PreventionGenetics, part of Exact Sciences
Classification: Uncertain significance for PCDH15-related condition. Last evaluated: 2025-04-02. Review status: criteria provided, single submitter. Criteria: ACMG Guidelines, 2015. Collection method: clinical testing. Allele origin: germline.
Comment: The PCDH15 c.944C>T variant is predicted to result in the amino acid substitution p.Pro315Leu. This variant was reported in an individual with early onset hearing loss (Table S2, Miyagawa et al. 2013. PubMed ID: 23967202). This variant is reported in 0.022% of alleles in individuals of East Asian descent in gnomAD. At this time, the clinical significance of this variant is uncertain due to the absence of conclusive functional and genetic evidence.

Women's Health and Genetics/Laboratory Corporation of America, LabCorp
Classification: Uncertain significance. Last evaluated: 2021-07-20. Review status: criteria provided, single submitter. Criteria: LabCorp Variant Classification Summary - May 2015. Collection method: clinical testing. Allele origin: germline.
Comment: Variant summary: PCDH15 c.944C>T (p.Pro315Leu) results in a non-conservative amino acid change located in the Cadherin-like domain (IPR002126) of the encoded protein sequence. Four of five in-silico tools predict a damaging effect of the variant on protein function. The variant allele was found at a frequency of 4e-05 in 251392 control chromosomes, predominantly at a frequency of 0.00022 within the East Asian subpopulation in the gnomAD database. The available data on variant occurrences in the general population are insufficient to allow any conclusion about variant significance. c.944C>T has been reported in the literature as a non-informative genotype in at-least one Japanese individual affected with Deafness (example, Miyagawa_2013). These report(s) do not provide unequivocal conclusions about association of the variant with Usher Syndrome Type 1F. To our knowledge, no experimental evidence demonstrating an impact on protein function has been reported. Three clinical diagnostic laboratories have submitted clinical-significance assessments for this variant to ClinVar after 2014 without evidence for independent evaluation. All laboratories classified the variant as uncertain significance. Based on the evidence outlined above, the variant was classified as uncertain significance.

Illumina Laboratory Services, Illumina
Classification: Uncertain significance for Usher syndrome type 1. Last evaluated: 2017-04-28. Review status: criteria provided, single submitter. Criteria: ICSL Variant Classification Criteria 13 December 2019. Collection method: clinical testing. Allele origin: germline.
Comment: This variant was observed as part of a predisposition screen in an ostensibly healthy population. A literature search was performed for the gene, cDNA change, and amino acid change (where applicable). Publications were found based on this search. However, the evidence from the literature, in combination with allele frequency data from public databases where available, was not sufficient to rule this variant in or out of causing disease. Therefore, this variant is classified as a variant of unknown significance.

Natera, Inc.
Classification: Uncertain significance for Usher syndrome type 1F. Last evaluated: 2020-09-16. Review status: no assertion criteria provided. Collection method: clinical testing. Allele origin: germline. Not counted in ClinVar's aggregate classification.

Literature cited by the submitters: PubMed 23967202 (cited by 3 submitters); PubMed 27058588 (cited by Illumina Laboratory Services, Illumina).

NM_001384140.1(PCDH15):c.944C>T (p.Pro315Leu)

Gene: PCDH15 (protocadherin related 15; minus strand). Cytogenetic location: 10q21.1.
Variant type: single nucleotide variant.
Coding change: c.944C>T on transcript NM_001384140.1 (MANE Select); coding-DNA position 944, C replaced by T.
Protein change: p.Pro315Leu; replaces proline 315 with leucine.
Molecular consequence: missense variant.
Genome position (GRCh38, 1-based): chr10:54,236,864, G>A on the plus strand (C>T on the coding strand, the complement: PCDH15 is on the minus strand). VCF-style: chr10-54236864-G-A. GRCh37 (hg19) VCF-style: chr10-55996624-G-A.
Other names: c.959C>T, p.Pro320Leu (NM_001142769.4, NM_001142771.2, NM_001142763.2); c.944C>T, p.Pro315Leu (NM_001142770.3, NM_001142772.2, NM_001354411.2 and 7 more transcripts); c.878C>T, p.Pro293Leu (NM_001142773.2, NM_001354404.2, NM_001142768.2); c.833C>T, p.Pro278Leu (NM_001142767.2); short protein forms P315L, P278L, P293L, P320L.
Identifiers: ClinVar variation 842988 (VCV000842988.13), dbSNP rs138299477, ClinGen allele CA5506538.